The following is an entry in ClinVar:

ClinVar aggregate classification (germline): Conflicting classifications of pathogenicity. Review status: criteria provided, conflicting classifications (1 of 4 stars). 3 submissions from 3 submitters: Uncertain significance (2); Likely benign (1). Last evaluated 2025-01-31.

Conditions:
Hereditary cancer-predisposing syndrome. Also called: Hereditary Cancer Syndrome; Neoplastic Syndromes, Hereditary; Hereditary neoplastic syndrome; Tumor predisposition. Identifiers: Orphanet 140162, MedGen C0027672, MeSH D009386, MONDO:0015356.

Submissions (3):

Ambry Genetics
Classification: Uncertain significance for Hereditary cancer-predisposing syndrome. Last evaluated: 2025-01-31. Review status: criteria provided, single submitter. Criteria: Ambry Variant Classification Scheme 2023. Collection method: clinical testing. Allele origin: germline.
Comment: The p.K1018R variant (also known as c.3053A>G), located in coding exon 10 of the BRCA2 gene, results from an A to G substitution at nucleotide position 3053. The lysine at codon 1018 is replaced by arginine, an amino acid with highly similar properties. This amino acid position is well conserved in available vertebrate species. In addition, the in silico prediction for this alteration is inconclusive. Since supporting evidence is limited at this time, the clinical significance of this alteration remains unclear.

University of Washington Department of Laboratory Medicine, University of Washington
Classification: Likely benign for Hereditary cancer-predisposing syndrome. Last evaluated: 2023-03-23. Review status: criteria provided, single submitter. Criteria: Dines et al. (Genet Med. 2020). Collection method: curation. Allele origin: germline.
Comment: Missense variant in a coldspot region where missense variants are very unlikely to be pathogenic (PMID:31911673).

BRCA2 exon 11 coldspot. Reclassification based on statistical prior probability.

Color Diagnostics, LLC DBA Color Health
Classification: Uncertain significance for Hereditary cancer-predisposing syndrome. Last evaluated: 2020-10-27. Review status: criteria provided, single submitter. Criteria: ACMG Guidelines, 2015. Collection method: clinical testing. Allele origin: germline.
Comment: This missense variant replaces lysine with arginine at codon 1018 of the BRCA2 protein. Computational prediction tool suggests that this variant may not impact protein structure and function (internally defined REVEL score threshold â€šÃ¢Â§0.5, PMID: 27666373). Splice site prediction tools suggest that this variant may not impact RNA splicing. To our knowledge, functional studies have not been performed for this variant. This variant has been reported in an individual affected with breast cancer (PMID: 27221885). This variant has not been identified in the general population by the Genome Aggregation Database (gnomAD). The available evidence is insufficient to determine the role of this variant in disease conclusively. Therefore, this variant is classified as a Variant of Uncertain Significance.

Literature cited by the submitters: PubMed 27221885 (cited by Ambry Genetics).

NM_000059.4(BRCA2):c.3053A>G (p.Lys1018Arg)

Gene: BRCA2 (BRCA2 DNA repair associated; plus strand). Cytogenetic location: 13q13.1.
Variant type: single nucleotide variant.
Coding change: c.3053A>G on transcript NM_000059.4 (MANE Select); coding-DNA position 3053, A replaced by G.
Protein change: p.Lys1018Arg; replaces lysine 1018 with arginine.
Molecular consequence: missense variant.
Genome position (GRCh38, 1-based): chr13:32,337,408, A>G. VCF-style: chr13-32337408-A-G. GRCh37 (hg19) VCF-style: chr13-32911545-A-G.
Other names: short protein forms K1018R.
Identifiers: ClinVar variation 142967 (VCV000142967.11), dbSNP rs587782855, ClinGen allele CA017099.